The following is an entry in ClinVar:

NM_005208.5(CRYBA1):c.500+1G>A

Gene: CRYBA1 (crystallin beta A1; plus strand). Cytogenetic location: 17q11.2.
Variant type: single nucleotide variant.
Coding change: c.500+1G>A on transcript NM_005208.5 (MANE Select); the canonical splice donor site of the intron after coding-DNA position 500, G replaced by A.
Molecular consequence: splice donor variant.
Genome position (GRCh38, 1-based): chr17:29,253,783, G>A. VCF-style: chr17-29253783-G-A. GRCh37 (hg19) VCF-style: chr17-27580801-G-A.
Identifiers: ClinVar variation 225328 (VCV000225328.3), dbSNP rs775038545, ClinGen allele CA8473801.

ClinVar aggregate classification (germline): Likely pathogenic. Review status: criteria provided, multiple submitters, no conflicts (2 of 4 stars). 3 submissions from 3 submitters: Likely pathogenic (3). Last evaluated 2025-02-01.

Conditions:
CRYBA1-related disorder. Also called: CRYBA1-related condition.
Cataract 10 multiple types. Also called: CATARACT 10, CONGENITAL ZONULAR, WITH SUTURAL OPACITIES. Identifiers: Orphanet 91492, MedGen C1833229, MONDO:0010948, OMIM 600881.

Allele frequency attached by ClinVar (database versions not stated): gnomAD 0.00003.
gnomAD v4.1: 16 of 1,614,052 alleles (0.00099%); highest among the groups gnomAD compares: East Asian, 0.018%; no homozygotes.

Submissions (3):

PreventionGenetics, part of Exact Sciences
Classification: Likely pathogenic for CRYBA1-related condition. Last evaluated: 2025-02-01. Review status: criteria provided, single submitter. Criteria: ACMG Guidelines, 2015. Collection method: clinical testing. Allele origin: germline.
Comment: The CRYBA1 c.500+1G>A variant is predicted to disrupt the GT donor site and interfere with normal splicing. To our knowledge, this variant has not been reported in the literature. This variant is reported in 0.030% of alleles in individuals of East Asian descent in gnomAD. This variant is predicted to remove the fourth Greek key domain of CRYBA1 (exon 6). The Greek key domains found in crystallin proteins are essential for maintaining the transparency of the lens of the eye, and disruption of these domains is known to cause cataracts (Vendra et al. 2024. PubMed ID: 38586607; Vendra et al. 2013. PubMed ID: 23936409; Slingsby et al. 2015. PubMed ID: 24582830). Variants that disrupt the consensus splice donor site in CRYBA1 are expected to be pathogenic for congenital cataract phenotypes (see for example, Yang. 2012. PubMed ID: 22665976). This variant is interpreted as likely pathogenic. This variant is interpreted as likely pathogenic.

Blueprint Genetics
Classification: Likely pathogenic for CRYBA1-related disorders. Last evaluated: 2022-09-02. Review status: criteria provided, single submitter. Criteria: ACMG Guidelines, 2015. Collection method: clinical testing. Allele origin: germline. Affected: yes. Observed: 3 variant alleles.

Soonchunhyang University Bucheon Hospital, Soonchunhyang University Medical Center
Classification: Likely pathogenic for Cataract 10 multiple types. Last evaluated: 2016-03-18. Review status: criteria provided, single submitter. Criteria: ACMG Guidelines, 2015. Collection method: reference population. Allele origin: germline. Observed: 1 variant allele.

Literature cited by the submitters: PubMed 9788845 (cited by Soonchunhyang University Bucheon Hospital, Soonchunhyang University Medical Center); PubMed 14598164 (cited by Soonchunhyang University Bucheon Hospital, Soonchunhyang University Medical Center).